The following is an entry in ClinVar:

NM_000548.5(TSC2):c.2219T>C (p.Met740Thr)

Gene: TSC2 (TSC complex subunit 2; plus strand). Cytogenetic location: 16p13.3.
Variant type: single nucleotide variant.
Coding change: c.2219T>C on transcript NM_000548.5 (MANE Select); coding-DNA position 2219, T replaced by C.
Protein change: p.Met740Thr; replaces methionine 740 with threonine.
Molecular consequence: missense variant.
Genome position (GRCh38, 1-based): chr16:2,072,362, T>C. VCF-style: chr16-2072362-T-C. GRCh37 (hg19) VCF-style: chr16-2122363-T-C.
Other names: c.2219T>C, p.Met740Thr (NM_001077183.3, NM_001114382.3, NM_001363528.2 and 3 more transcripts); c.2108T>C, p.Met703Thr (NM_001318827.2); c.2072T>C, p.Met691Thr (NM_001318829.2); c.1619T>C, p.Met540Thr (NM_001318831.2); c.2252T>C, p.Met751Thr (NM_001318832.2); short protein forms M740T, M540T, M703T, M691T, M751T.
Identifiers: ClinVar variation 578982 (VCV000578982.16), dbSNP rs757347786, ClinGen allele CA037187.

ClinVar aggregate classification (germline): Conflicting classifications of pathogenicity. Review status: criteria provided, conflicting classifications (1 of 4 stars). 6 submissions from 6 submitters: Uncertain significance (4); Likely benign (2). Last evaluated 2025-11-20.

Conditions:
Hereditary cancer-predisposing syndrome. Also called: Hereditary neoplastic syndrome; Tumor predisposition; Hereditary Cancer Syndrome; Neoplastic Syndromes, Hereditary. Identifiers: Orphanet 140162, MedGen C0027672, MeSH D009386, MONDO:0015356.
Tuberous sclerosis 2 (TSC2). Identifiers: Orphanet 805, MedGen C1860707, MONDO:0013199, OMIM 613254.

Allele frequency attached by ClinVar (database versions not stated): gnomAD exomes below 0.00001 and 0.00001; ExAC 0.00002.
gnomAD v4.1: 5 of 1,613,962 alleles (0.00031%); highest among the groups gnomAD compares: East Asian, 0.011%; no homozygotes.

Submissions (6):

Ambry Genetics
Classification: Likely benign for Hereditary cancer-predisposing syndrome. Last evaluated: 2025-11-20. Review status: criteria provided, single submitter. Criteria: Ambry Variant Classification Scheme 2023. Collection method: clinical testing. Allele origin: germline.

Quest Diagnostics Nichols Institute San Juan Capistrano
Classification: Uncertain significance. Last evaluated: 2025-11-09. Review status: criteria provided, single submitter. Criteria: Quest Diagnostics criteria. Collection method: clinical testing. Allele origin: unknown.

Myriad Genetics, Inc.
Classification: Likely benign for Tuberous sclerosis 2. Last evaluated: 2024-08-12. Review status: criteria provided, single submitter. Criteria: Myriad Autosomal Dominant, Autosomal Recessive and X-Linked Classification Criteria (2023). Collection method: clinical testing. Allele origin: unknown.
Comment: This variant is considered likely benign. This variant has been observed at a population frequency that is significantly greater than expected given the associated disease prevalence and penetrance.

Labcorp Genetics (formerly Invitae), Labcorp
Classification: Uncertain significance for Tuberous sclerosis 2. Last evaluated: 2024-03-22. Review status: criteria provided, single submitter. Criteria: Invitae Variant Classification Sherloc (09022015). Collection method: clinical testing. Allele origin: germline.
Comment: This sequence change replaces methionine, which is neutral and non-polar, with threonine, which is neutral and polar, at codon 740 of the TSC2 protein (p.Met740Thr). This variant is present in population databases (rs757347786, gnomAD 0.02%). This variant has not been reported in the literature in individuals affected with TSC2-related conditions. ClinVar contains an entry for this variant (Variation ID: 578982). An algorithm developed to predict the effect of missense changes on protein structure and function (PolyPhen-2) suggests that this variant¬†is likely to be tolerated. In summary, the available evidence is currently insufficient to determine the role of this variant in disease. Therefore, it has been classified as a Variant of Uncertain Significance.

GeneDx
Classification: Uncertain significance. Last evaluated: 2023-05-08. Review status: criteria provided, single submitter. Criteria: GeneDx Variant Classification Process June 2021. Collection method: clinical testing. Allele origin: germline. Affected: yes.
Comment: In silico analysis supports that this missense variant has a deleterious effect on protein structure/function; Has not been previously published as pathogenic or benign to our knowledge

Sema4
Classification: Uncertain significance for Hereditary cancer-predisposing syndrome. Last evaluated: 2021-11-29. Review status: criteria provided, single submitter. Criteria: Sema4 Curation Guidelines. Collection method: curation. Allele origin: germline.
Comment: The TSC2 c.2219T>C (p.M740T) variant has not been reported in the literature to our knowledge. It was observed in 3/18390 chromosomes in the East Asian subpopulation according to the Genome Aggregation Database (PMID: 32461654). This variant has been reported in ClinVar (Variation ID: 578982). In silico tools suggest the impact of the variant on protein function is deleterious, though these predictions have not been confirmed by functional studies. The overall evidence is insufficient to meet ACMG/AMP criteria for classifying the variant as benign or pathogenic. Thus, the clinical significance of this variant is currently uncertain.